The following is an entry in ClinVar:

NM_000191.3(HMGCL):c.225del (p.Phe76fs)

Gene: HMGCL (3-hydroxy-3-methylglutaryl-CoA lyase; minus strand). Cytogenetic location: 1p36.11.
Variant type: Deletion.
Coding change: c.225del on transcript NM_000191.3 (MANE Select); coding-DNA position 225, one base deleted (C; older notation c.225delC).
Protein change: p.Phe76fs; shifts the reading frame from phenylalanine 76.
Molecular consequence: frameshift variant.
Genome position (GRCh38, 1-based): chr1:23,817,503, G deleted on the plus strand (C on the coding strand, the reverse complement: HMGCL is on the minus strand). VCF-style (leftmost placement, unchanged base first): chr1-23817502-AG-A. GRCh37 (hg19) VCF-style: chr1-24143992-AG-A.
Other names: c.225del, p.Phe76fs (NM_001166059.2); short protein forms F76fs.
Identifiers: ClinVar variation 5015693 (VCV005015693.1).

ClinVar aggregate classification (germline): Pathogenic (1 of 4 stars; one submission).

Conditions:
Deficiency of hydroxymethylglutaryl-CoA lyase (HMGCLD). Also called: Defect in leucine metabolism; 3-hydroxy-3-methylglutaric aciduria; HMG-CoA LYASE DEFICIENCY; HMGCL DEFICIENCY; HYDROXYMETHYLGLUTARIC ACIDURIA. Identifiers: Orphanet 20, MedGen C1533587, MONDO:0009520, OMIM 246450.

Submission:

Myriad Genetics, Inc.
Classification: Pathogenic for Deficiency of hydroxymethylglutaryl-CoA lyase. Last evaluated: 2026-03-19. Review status: criteria provided, single submitter. Criteria: Myriad Autosomal Dominant, Autosomal Recessive and X-Linked Classification Criteria (2023). Collection method: clinical testing. Allele origin: unknown.
Comment: NM_000191.2(HMGCL):c.225delC(F76Lfs*17) is expected to be pathogenic in the context of HMG-CoA lyase deficiency. This variant is predicted to lead to an abnormal or absent protein product due to the creation of a premature termination codon in HMGCL, a gene where loss-of-function variants are known to be pathogenic. Please note: this variant was assessed in the context of healthy population screening.